The following is an entry in ClinVar:

NM_019032.6(ADAMTSL4):c.2969C>T (p.Thr990Met)

Gene: ADAMTSL4 (ADAMTS like 4; plus strand). Cytogenetic location: 1q21.2.
Variant type: single nucleotide variant.
Coding change: c.2969C>T on transcript NM_019032.6 (MANE Select); coding-DNA position 2969, C replaced by T.
Protein change: p.Thr990Met; replaces threonine 990 with methionine.
Molecular consequence: missense variant.
Genome position (GRCh38, 1-based): chr1:150,559,786, C>T. VCF-style: chr1-150559786-C-T. GRCh37 (hg19) VCF-style: chr1-150532262-C-T.
Other names: c.2852C>T, p.Thr951Met (NM_001288607.2); c.3038C>T, p.Thr1013Met (NM_001288608.2); c.2969C>T, p.Thr990Met (NM_001378596.1); short protein forms T990M, T1013M, T951M.
Identifiers: ClinVar variation 594961 (VCV000594961.20), dbSNP rs139784416, ClinGen allele CA1078912.

ClinVar aggregate classification (germline): Conflicting classifications of pathogenicity. Review status: criteria provided, conflicting classifications (1 of 4 stars). 5 submissions from 5 submitters: Uncertain significance (1); Benign (1); Likely benign (3). Last evaluated 2026-01-28.

Conditions:
Inborn genetic diseases. Identifiers: MedGen C0950123, MeSH D030342.
Ectopia lentis 2, isolated, autosomal recessive (ECTOL2). Identifiers: Orphanet 1885, MedGen C3541474, MONDO:0009152, OMIM 225100.

Allele frequency attached by ClinVar (database versions not stated): gnomAD exomes 0.00027 and 0.00072; ExAC 0.00073; 1000 Genomes Project 0.00200; 1000 Genomes Project 30x 0.00234; ESP Exome Variant Server 0.00246; gnomAD 0.00285 and 0.00307; TOPMed 0.00310.
gnomAD v4.1: 856 of 1,613,968 alleles (0.053%); highest among the groups gnomAD compares: African/African-American, 0.96%; 10 homozygotes.

Submissions (5):

Labcorp Genetics (formerly Invitae), Labcorp
Classification: Likely benign. Last evaluated: 2026-01-28. Review status: criteria provided, single submitter. Criteria: Invitae Variant Classification Sherloc (09022015). Collection method: clinical testing. Allele origin: germline.

Blueprint Genetics
Classification: Likely benign. Last evaluated: 2024-11-14. Review status: criteria provided, single submitter. Criteria: ACMG Guidelines, 2015. Collection method: clinical testing. Allele origin: germline.

Ambry Genetics
Classification: Uncertain significance for Inborn genetic diseases. Last evaluated: 2021-07-27. Review status: criteria provided, single submitter. Criteria: Ambry Variant Classification Scheme 2023. Collection method: clinical testing. Allele origin: germline.

Illumina Laboratory Services, Illumina
Classification: Likely benign for Ectopia lentis 2, isolated, autosomal recessive. Last evaluated: 2018-01-13. Review status: criteria provided, single submitter. Criteria: ICSL Variant Classification Criteria 13 December 2019. Collection method: clinical testing. Allele origin: germline.
Comment: This variant was observed in the ICSL laboratory as part of a predisposition screen in an ostensibly healthy population. It had not been previously curated by ICSL or reported in the Human Gene Mutation Database (HGMD: prior to June 1st, 2018), and was therefore a candidate for classification through an automated scoring system. Utilizing variant allele frequency, disease prevalence and penetrance estimates, and inheritance mode, an automated score was calculated to assess if this variant is too frequent to cause the disease. Based on the score and internal cut-off values, a variant classified as likely benign is not then subjected to further curation. The score for this variant resulted in a classification of likely benign for this disease.

Eurofins Ntd Llc (ga)
Classification: Benign. Last evaluated: 2017-11-10. Review status: criteria provided, single submitter. Criteria: EGL Classification Definitions 2015. Collection method: clinical testing. Allele origin: germline. Observed: 1 variant allele, 1 heterozygote.